The following is an entry in ClinVar:

ClinVar aggregate classification (germline): Likely benign. Review status: criteria provided, single submitter (1 of 4 stars). 2 submissions from 2 submitters: Likely benign (1). 1 of the submissions does not count toward it. Last evaluated 2026-01-18.

Conditions:
INPP5E-related disorder. Also called: INPP5E-related condition.
Joubert syndrome. Also called: CEREBELLOPARENCHYMAL DISORDER IV; JOUBERT-BOLTSHAUSER SYNDROME; Familial aplasia of the vermis. Identifiers: Orphanet 475, MedGen C5979921, MONDO:0018772.

Allele frequency attached by ClinVar (database versions not stated): gnomAD exomes 0.00001 and 0.00003; ExAC 0.00005; TOPMed 0.00007; gnomAD 0.00009 and 0.00010; ESP Exome Variant Server 0.00031; 1000 Genomes Project 0.00040; 1000 Genomes Project 30x 0.00047.

Submissions (2):

Labcorp Genetics (formerly Invitae), Labcorp
Classification: Likely benign for Joubert syndrome. Last evaluated: 2026-01-18. Review status: criteria provided, single submitter. Criteria: Invitae Variant Classification Sherloc (09022015). Collection method: clinical testing. Allele origin: germline.

PreventionGenetics, part of Exact Sciences
Classification: Likely benign for INPP5E-related condition. Last evaluated: 2024-03-05. Review status: no assertion criteria provided. Collection method: clinical testing. Allele origin: germline. Not counted in ClinVar's aggregate classification.
Comment: This variant is classified as likely benign based on ACMG/AMP sequence variant interpretation guidelines (Richards et al. 2015 PMID: 25741868, with internal and published modifications).

NM_019892.6(INPP5E):c.1494G>A (p.Val498=)

Gene: INPP5E (inositol polyphosphate-5-phosphatase E; minus strand). Cytogenetic location: 9q34.3.
Variant type: single nucleotide variant.
Coding change: c.1494G>A on transcript NM_019892.6 (MANE Select); coding-DNA position 1494, G replaced by A.
Protein change: p.Val498=; no amino-acid change (valine 498 retained).
Molecular consequence: synonymous variant.
Genome position (GRCh38, 1-based): chr9:136,431,879, C>T on the plus strand (G>A on the coding strand, the complement: INPP5E is on the minus strand). VCF-style: chr9-136431879-C-T. GRCh37 (hg19) VCF-style: chr9-139326331-C-T.
Other names: c.1491G>A, p.Val497= (NM_001318502.2); c.1494G>A (NM_019892.5).
Identifiers: ClinVar variation 1124207 (VCV001124207.10), dbSNP rs138525676, ClinGen allele CA5336775.